The following is an entry in ClinVar:

ClinVar aggregate classification (germline): Benign (1 of 4 stars; one submission).

Submission:

GeneDx
Classification: Benign. Last evaluated: 2014-02-11. Review status: criteria provided, single submitter. Criteria: GeneDx Variant Classification (06012015). Collection method: clinical testing. Allele origin: germline. Affected: yes.
Comment: This variant is considered likely benign or benign based on one or more of the following criteria: it is a conservative change, it occurs at a poorly conserved position in the protein, it is predicted to be benign by multiple in silico algorithms, and/or has population frequency not consistent with disease.

NM_001040142.2(SCN2A):c.5388G>A (p.Glu1796=)

Gene: SCN2A (sodium voltage-gated channel alpha subunit 2; plus strand). Cytogenetic location: 2q24.3.
Variant type: single nucleotide variant.
Coding change: c.5388G>A on transcript NM_001040142.2 (MANE Select); coding-DNA position 5388, G replaced by A.
Protein change: p.Glu1796=; no amino-acid change (glutamic acid 1796 retained).
Molecular consequence: synonymous variant.
Genome position (GRCh38, 1-based): chr2:165,389,194, G>A. VCF-style: chr2-165389194-G-A. GRCh37 (hg19) VCF-style: chr2-166245704-G-A.
Other names: p.E1796E:GAG>GAA; c.5388G>A, p.Glu1796= (NM_001040143.2, NM_001371246.1, NM_001371247.1 and 1 more transcripts).
Identifiers: ClinVar variation 139020 (VCV000139020.1), dbSNP rs587781153, ClinGen allele CA293263.